The following is an entry in ClinVar:

NM_002520.7(NPM1):c.869_874delinsCCTTCGCTTC (p.Trp290fs)

Gene: NPM1 (nucleophosmin 1; plus strand). Cytogenetic location: 5q35.1.
Variant type: Indel.
Coding change: c.869_874delinsCCTTCGCTTC on transcript NM_002520.7 (MANE Select); coding-DNA positions 869 to 874, GGAGGA replaced by CCTTCGCTTC.
Protein change: p.Trp290fs; shifts the reading frame from tryptophan 290.
Molecular consequence: frameshift variant. On other transcripts: non-coding transcript variant (1).
Genome position (GRCh38, 1-based): chr5:171,410,549-171,410,554, GGAGGA replaced by CCTTCGCTTC. VCF-style: chr5-171410549-GGAGGA-CCTTCGCTTC. GRCh37 (hg19) VCF-style: chr5-170837553-GGAGGA-CCTTCGCTTC.
Other names: c.869_874delinsCCTTCGCTTC, p.Trp290fs (NM_001355006.2); c.677_682delinsCCTTCGCTTC, p.Trp226fs (NM_001355007.2); c.488_493delinsCCTTCGCTTC, p.Trp163fs (NM_001355010.2); c.782_787delinsCCTTCGCTTC, p.Trp261fs (NM_199185.4); c.869_874delGGAGGAinsCCTTCGCTTC (NM_002520.7); short protein forms W163fs, W226fs, W261fs, W290fs.
Identifiers: ClinVar variation 4857481 (VCV004857481.1).

ClinVar aggregate classification (somatic clinical impact): Tier I - Strong (0 of 4 stars; one submission).

Conditions:
Acute myeloid leukemia (AML). Also called: Acute myeloid leukemia, adult; AML adult; Acute non-lymphocytic leukemia; Acute granulocytic leukemia; Leukemia, acute myeloid, somatic; Leukemia, acute myelogenous, somatic. Identifiers: Orphanet 519, MedGen C0023467, MeSH D015470, MONDO:0018874, OMIM 601626, HP:0004808. Disease mechanism: Constitutively activated FLT3.

Submission:

Department of Genomics, Institute of Hematology and Blood Transfusion
Classification: Tier I - Strong for Acute myeloid leukemia. Assertion type: diagnostic. Clinical significance: supports diagnosis. Last evaluated: 2026-06-08. Review status: no assertion criteria provided. Collection method: clinical testing. Allele origin: somatic. Affected: yes.
Comment: This type of mutation has not yet been described. However, its a 4-bp insertion in exon 12, which leads to a premature stop codon resulting in an aberrant NPM1 cytoplasmic localisation. According to the recent AML classification: mutation of NPM1 gene is AML-defining.

Literature cited by the submitters: DOI 10.3390/ijms221810040.